The following is an entry in ClinVar:

ClinVar aggregate classification (germline): Uncertain significance. Review status: criteria provided, multiple submitters, no conflicts (2 of 4 stars). 2 submissions from 2 submitters: Uncertain significance (2). Last evaluated 2024-07-17.

Conditions:
Inborn genetic diseases. Identifiers: MedGen C0950123, MeSH D030342.

Submissions (2):

Ambry Genetics
Classification: Uncertain significance for Inborn genetic diseases. Last evaluated: 2024-07-17. Review status: criteria provided, single submitter. Criteria: Ambry Variant Classification Scheme 2023. Collection method: clinical testing. Allele origin: germline.

Labcorp Genetics (formerly Invitae), Labcorp
Classification: Uncertain significance. Last evaluated: 2024-06-30. Review status: criteria provided, single submitter. Criteria: Invitae Variant Classification Sherloc (09022015). Collection method: clinical testing. Allele origin: germline.
Comment: This sequence change replaces valine, which is neutral and non-polar, with alanine, which is neutral and non-polar, at codon 899 of the INTU protein (p.Val899Ala). This variant is not present in population databases (gnomAD no frequency). This variant has not been reported in the literature in individuals affected with INTU-related conditions. Advanced modeling of protein sequence and biophysical properties (such as structural, functional, and spatial information, amino acid conservation, physicochemical variation, residue mobility, and thermodynamic stability) performed at Invitae indicates that this missense variant is not expected to disrupt INTU protein function with a negative predictive value of 80%. In summary, the available evidence is currently insufficient to determine the role of this variant in disease. Therefore, it has been classified as a Variant of Uncertain Significance.

NM_015693.4(INTU):c.2696T>C (p.Val899Ala)

Gene: INTU (inturned planar cell polarity protein; plus strand). Cytogenetic location: 4q28.1.
Variant type: single nucleotide variant.
Coding change: c.2696T>C on transcript NM_015693.4 (MANE Select); coding-DNA position 2696, T replaced by C.
Protein change: p.Val899Ala; replaces valine 899 with alanine.
Molecular consequence: missense variant.
Genome position (GRCh38, 1-based): chr4:127,714,072, T>C. VCF-style: chr4-127714072-T-C. GRCh37 (hg19) VCF-style: chr4-128635227-T-C.
Other names: short protein forms V899A.
Identifiers: ClinVar variation 3529518 (VCV003529518.3).